The following is an entry in ClinVar:

ClinVar aggregate classification (germline): Pathogenic (1 of 4 stars; one submission).

Conditions:
Xanthinuria type II. Also called: Xanthine dehydrogenase and aldehyde oxidase combined deficiency of; XDH and AOX dual deficiency. Identifiers: Orphanet 3467, Orphanet 93602, MedGen C1863688, MONDO:0011346, OMIM 603592.

Submission:

Labcorp Genetics (formerly Invitae), Labcorp
Classification: Pathogenic for Xanthinuria type II. Last evaluated: 2019-02-11. Review status: criteria provided, single submitter. Criteria: Invitae Variant Classification Sherloc (09022015). Collection method: clinical testing. Allele origin: germline.
Comment: This sequence change creates a premature translational stop signal (p.Gly1170Glufs*18) in the XDH gene. It is expected to result in an absent or disrupted protein product. This variant is not present in population databases (ExAC no frequency). For these reasons, this variant has been classified as Pathogenic. Loss-of-function variants in XDH are known to be pathogenic (PMID: 9153281). This variant has not been reported in the literature in individuals with XDH-related disease.

Literature cited by the submitters: PubMed 9153281.

NM_000379.4(XDH):c.3507del (p.Gly1170fs)

Gene: XDH (xanthine dehydrogenase; minus strand). Cytogenetic location: 2p23.1.
Variant type: Deletion.
Coding change: c.3507del on transcript NM_000379.4 (MANE Select); coding-DNA position 3507, one base deleted (A; older notation c.3507delA).
Protein change: p.Gly1170fs; shifts the reading frame from glycine 1170.
Molecular consequence: frameshift variant.
Genome position (GRCh38, 1-based): chr2:31,342,195, T deleted on the plus strand (A on the coding strand, the reverse complement: XDH is on the minus strand). VCF-style (leftmost placement, unchanged base first): chr2-31342194-CT-C. GRCh37 (hg19) VCF-style: chr2-31565060-CT-C.
Other names: short protein forms G1170fs.
Identifiers: ClinVar variation 570826 (VCV000570826.8), dbSNP rs1558674294, ClinGen allele CA891843156.